The following is an entry in ClinVar:

ClinVar aggregate classification (germline): Uncertain significance (1 of 4 stars; one submission).

Submission:

Labcorp Genetics (formerly Invitae), Labcorp
Classification: Uncertain significance. Last evaluated: 2025-10-18. Review status: criteria provided, single submitter. Criteria: Invitae Variant Classification Sherloc (09022015). Collection method: clinical testing. Allele origin: germline.
Comment: This sequence change replaces phenylalanine, which is neutral and non-polar, with cysteine, which is neutral and slightly polar, at codon 770 of the WFS1 protein (p.Phe770Cys). This variant is present in population databases (no rsID available, gnomAD 0.02%), including at least one homozygous and/or hemizygous individual. This missense change has been observed in individual(s) with clinical feature of Wolfram Syndrome (PMID: 31850070). In at least one individual the data is consistent with being in trans (on the opposite chromosome) from a pathogenic variant. Invitae Evidence Modeling of protein sequence and biophysical properties (such as structural, functional, and spatial information, amino acid conservation, physicochemical variation, residue mobility, and thermodynamic stability) has been performed for this missense variant. However, the output from this modeling did not meet the statistical confidence thresholds required to predict the impact of this variant on WFS1 protein function. In summary, the available evidence is currently insufficient to determine the role of this variant in disease. Therefore, it has been classified as a Variant of Uncertain Significance.

Literature cited by the submitters: PubMed 31850070.

NM_006005.3(WFS1):c.2309T>G (p.Phe770Cys)

Gene: WFS1 (wolframin ER transmembrane glycoprotein; plus strand). Cytogenetic location: 4p16.1.
Variant type: single nucleotide variant.
Coding change: c.2309T>G on transcript NM_006005.3 (MANE Select); coding-DNA position 2309, T replaced by G.
Protein change: p.Phe770Cys; replaces phenylalanine 770 with cysteine.
Molecular consequence: missense variant.
Genome position (GRCh38, 1-based): chr4:6,302,104, T>G. VCF-style: chr4-6302104-T-G. GRCh37 (hg19) VCF-style: chr4-6303831-T-G.
Other names: c.2309T>G, p.Phe770Cys (NM_001145853.1); short protein forms F770C.
Identifiers: ClinVar variation 4693437 (VCV004693437.1).